The following is an entry in ClinVar:

NM_002390.6(ADAM11):c.2109C>G (p.Asp703Glu)

Gene: ADAM11 (ADAM metallopeptidase domain 11; plus strand). Cytogenetic location: 17q21.31.
Variant type: single nucleotide variant.
Coding change: c.2109C>G on transcript NM_002390.6 (MANE Select); coding-DNA position 2109, C replaced by G.
Protein change: p.Asp703Glu; replaces aspartic acid 703 with glutamic acid.
Molecular consequence: missense variant.
Genome position (GRCh38, 1-based): chr17:44,777,990, C>G. VCF-style: chr17-44777990-C-G. GRCh37 (hg19) VCF-style: chr17-42855358-C-G.
Other names: c.1509C>G, p.Asp503Glu (NM_001318933.2); short protein forms D503E, D703E.
Identifiers: ClinVar variation 3235865 (VCV003235865.1), dbSNP rs2049628527, ClinGen allele CA399849533.

ClinVar aggregate classification (germline): Uncertain significance (1 of 4 stars; one submission).

Submission:

Greenwood Genetic Center Diagnostic Laboratories, Greenwood Genetic Center
Classification: Uncertain significance. Last evaluated: 2024-01-30. Review status: criteria provided, single submitter. Criteria: ACMG Guidelines, 2015. Collection method: clinical testing. Allele origin: germline. Affected: yes.
Comment: Gene of Uncertain Significance